The following is an entry in ClinVar:

ClinVar aggregate classification (germline): Uncertain significance (1 of 4 stars; one submission).

Conditions:
Inborn genetic diseases. Identifiers: MedGen C0950123, MeSH D030342.

Allele frequency attached by ClinVar (database versions not stated): gnomAD exomes below 0.00001 and 0.00001.
gnomAD v4.1: 9 of 1,613,908 alleles (0.00056%); highest among the groups gnomAD compares: Non-Finnish European, 0.00076%; no homozygotes.

Submission:

Ambry Genetics
Classification: Uncertain significance for Inborn genetic diseases. Last evaluated: 2020-05-13. Review status: criteria provided, single submitter. Criteria: Ambry Variant Classification Scheme 2023. Collection method: clinical testing. Allele origin: germline.
Comment: The alteration results in an amino acid change:_x000D_ _x000D_ The c.1534G>C (p.E512Q) alteration is located in coding exon 12 of the CDC42BPB gene. This alteration results from a G to C substitution at nucleotide position 1534, causing the glutamic acid (E) at amino acid position 512 to be replaced by a glutamine (Q). The alteration is rare in population databases:_x000D_ _x000D_ Based on data from the Genome Aggregation Database (gnomAD), the CDC42BPB c.1534G>C alteration was observed in 0.0004% (1/250770) of total alleles studied. The altered amino acid is not conserved throughout evolution:_x000D_ _x000D_ The p.E512 amino acid is not conserved in available vertebrate species. The alteration is predicted tolerated by in silico modeling:_x000D_ _x000D_ The p.E512Q alteration is predicted to be tolerated by in silico analysis. Based on insufficient or conflicting evidence, the clinical significance of this alteration remains unclear.

NM_006035.4(CDC42BPB):c.1534G>C (p.Glu512Gln)

Gene: CDC42BPB (CDC42 binding protein kinase beta; minus strand). Cytogenetic location: 14q32.32.
Variant type: single nucleotide variant.
Coding change: c.1534G>C on transcript NM_006035.4 (MANE Select); coding-DNA position 1534, G replaced by C.
Protein change: p.Glu512Gln; replaces glutamic acid 512 with glutamine.
Molecular consequence: missense variant.
Genome position (GRCh38, 1-based): chr14:102,974,123, C>G on the plus strand (G>C on the coding strand, the complement: CDC42BPB is on the minus strand). VCF-style: chr14-102974123-C-G. GRCh37 (hg19) VCF-style: chr14-103440460-C-G.
Other names: short protein forms E512Q.
Identifiers: ClinVar variation 985783 (VCV000985783.4), dbSNP rs1389878014, ClinGen allele CA391089133.
Genomic context (GRCh38, chr14:102,974,123, plus strand): 5'-CCAGCCCCCGCAGCCGCTGCGTGGAGTCCTCACGCTCTTGGCGAAGCGCCACTGTGTCCT[C>G]AAGCTGTCGCTCGAGCCTGTTTGAATCTGGACAAAAGAGGAAATAAACTCTGTTCCTTTA-3'
Protein context (NP_006026.3, residues 502-522): ADSNRLERQL[Glu512Gln]DTVALRQERE